The following is an entry in ClinVar:

NM_001040151.2(SCN3B):c.38T>C (p.Leu13Pro)

Gene: SCN3B (sodium voltage-gated channel beta subunit 3; minus strand). Cytogenetic location: 11q24.1.
Variant type: single nucleotide variant.
Coding change: c.38T>C on transcript NM_001040151.2 (MANE Select); coding-DNA position 38, T replaced by C.
Protein change: p.Leu13Pro; replaces leucine 13 with proline.
Molecular consequence: missense variant.
Genome position (GRCh38, 1-based): chr11:123,653,764, A>G on the plus strand (T>C on the coding strand, the complement: SCN3B is on the minus strand). VCF-style: chr11-123653764-A-G. GRCh37 (hg19) VCF-style: chr11-123524472-A-G.
Other names: c.38T>C, p.Leu13Pro (NM_018400.4); short protein forms L13P.
Identifiers: ClinVar variation 1417250 (VCV001417250.8), dbSNP rs1955959753, ClinGen allele CA383073345.

ClinVar aggregate classification (germline): Uncertain significance (1 of 4 stars; one submission).

Conditions:
Brugada syndrome 7 (BRGDA7). Identifiers: Orphanet 130, MedGen C2751088, MONDO:0013146, OMIM 613120.

Allele frequency attached by ClinVar (database versions not stated): TOPMed 0.00001.

Submission:

Labcorp Genetics (formerly Invitae), Labcorp
Classification: Uncertain significance for Brugada syndrome 7. Last evaluated: 2022-09-14. Review status: criteria provided, single submitter. Criteria: Invitae Variant Classification Sherloc (09022015). Collection method: clinical testing. Allele origin: germline.
Comment: This sequence change replaces leucine, which is neutral and non-polar, with proline, which is neutral and non-polar, at codon 13 of the SCN3B protein (p.Leu13Pro). This variant is not present in population databases (gnomAD no frequency). This variant has not been reported in the literature in individuals affected with SCN3B-related conditions. ClinVar contains an entry for this variant (Variation ID: 1417250). Algorithms developed to predict the effect of missense changes on protein structure and function are either unavailable or do not agree on the potential impact of this missense change (SIFT: "Deleterious"; PolyPhen-2: "Benign"; Align-GVGD: "Class C0"). In summary, the available evidence is currently insufficient to determine the role of this variant in disease. Therefore, it has been classified as a Variant of Uncertain Significance.